The following is an entry in ClinVar:

ClinVar aggregate classification (germline): Uncertain significance (1 of 4 stars; one submission).

Conditions:
Progressive familial heart block type IB (PFHB1B). Identifiers: Orphanet 871, MedGen C1970298, MONDO:0011474, OMIM 604559.

Allele frequency attached by ClinVar (database versions not stated): gnomAD exomes below 0.00001.
gnomAD v4.1: 2 of 1,613,976 alleles (0.00012%); highest among the groups gnomAD compares: Non-Finnish European, 0.00017%; no homozygotes.

Submission:

Labcorp Genetics (formerly Invitae), Labcorp
Classification: Uncertain significance for Progressive familial heart block type IB. Last evaluated: 2022-04-07. Review status: criteria provided, single submitter. Criteria: Invitae Variant Classification Sherloc (09022015). Collection method: clinical testing. Allele origin: germline.
Comment: In summary, the available evidence is currently insufficient to determine the role of this variant in disease. Therefore, it has been classified as a Variant of Uncertain Significance. Algorithms developed to predict the effect of sequence changes on RNA splicing suggest that this variant may create or strengthen a splice site. This variant has not been reported in the literature in individuals affected with TRPM4-related conditions. This variant is not present in population databases (gnomAD no frequency). This sequence change creates a premature translational stop signal (p.Gln556*) in the TRPM4 gene. It is expected to result in an absent or disrupted protein product. However, the current clinical and genetic evidence is not sufficient to establish whether loss-of-function variants in TRPM4 cause disease.

NM_017636.4(TRPM4):c.1666C>T (p.Gln556Ter)

Gene: TRPM4 (transient receptor potential cation channel subfamily M member 4; plus strand). Cytogenetic location: 19q13.33.
Variant type: single nucleotide variant.
Coding change: c.1666C>T on transcript NM_017636.4 (MANE Select); coding-DNA position 1666, C replaced by T.
Protein change: p.Gln556Ter; replaces glutamine 556 with a stop codon.
Molecular consequence: nonsense.
Genome position (GRCh38, 1-based): chr19:49,183,135, C>T. VCF-style: chr19-49183135-C-T. GRCh37 (hg19) VCF-style: chr19-49686392-C-T.
Other names: c.1666C>T, p.Gln556Ter (NM_001195227.2); c.1321C>T, p.Gln441Ter (NM_001321281.2); c.58C>T, p.Gln20Ter (NM_001321282.2); c.1144C>T, p.Gln382Ter (NM_001321283.2); c.604C>T, p.Gln202Ter (NM_001321285.2); short protein forms Q202*, Q556*, Q382*, Q20*, Q441*.
Identifiers: ClinVar variation 2122718 (VCV002122718.4), dbSNP rs2514119422, ClinGen allele CA406800456.